The following is an entry in ClinVar:

NM_015627.3(LDLRAP1):c.406C>T (p.Gln136Ter)

Gene: LDLRAP1 (low density lipoprotein receptor adaptor protein 1; plus strand). Cytogenetic location: 1p36.11.
Variant type: single nucleotide variant.
Coding change: c.406C>T on transcript NM_015627.3 (MANE Select); coding-DNA position 406, C replaced by T.
Protein change: p.Gln136Ter; replaces glutamine 136 with a stop codon.
Molecular consequence: nonsense.
Genome position (GRCh38, 1-based): chr1:25,557,214, C>T. VCF-style: chr1-25557214-C-T. GRCh37 (hg19) VCF-style: chr1-25883705-C-T.
Other names: short protein forms Q136*.
Identifiers: ClinVar variation 4775 (VCV000004775.19), dbSNP rs121908325, ClinGen allele CA117070.
Genomic context (GRCh38, chr1:25,557,214, plus strand): 5'-ATCTCCTATTGCACAGCAGACAAGATGCACGACAAGGTGTTTGCATACATCGCCCAGAGC[C>T]AGCACAACCAGAGCCTCGAGTGCCACGCCTTCCTCTGCACCAAGCGGAAGATGGTCAGCG-3'

ClinVar aggregate classification (germline): Pathogenic. Review status: criteria provided, multiple submitters, no conflicts (2 of 4 stars). 9 submissions from 9 submitters: Pathogenic (6). 3 of the submissions do not count toward it. Last evaluated 2026-07-01.

Conditions:
Cardiovascular phenotype. Identifiers: MedGen CN230736.
Familial hypercholesterolemia. Also called: Familial hypercholesterolemias; Familial hypercholesterolaemia. Identifiers: MedGen C0020445, MONDO:0005439.
Hypercholesterolemia, familial, 4 (FHCL4). Also called: HYPERCHOLESTEROLEMIA, AUTOSOMAL RECESSIVE, 1; HYPERCHOLESTEROLEMIA, AUTOSOMAL RECESSIVE, 2. Identifiers: Orphanet 391665, MedGen C1863512, MONDO:0011374, OMIM 603813.

Allele frequency attached by ClinVar (database versions not stated): gnomAD 0.00001; gnomAD exomes 0.00001; TOPMed 0.00001.
gnomAD v4.1: 4 of 1,614,074 alleles (0.00025%); highest among the groups gnomAD compares: Middle Eastern, 0.049%; 1 homozygote.

Submissions (9):

Cambridge Genomics Laboratory, East Genomic Laboratory Hub, NHS Genomic Medicine Service
Classification: Pathogenic for Familial hypercholesterolaemia. Last evaluated: 2026-07-01. Review status: criteria provided, single submitter. Criteria: ACGS Best Practice Guidelines for Variant Classification in Rare Disease 2020. Collection method: clinical testing. Allele origin: germline. Affected: yes.
Comment: PVS1,PM2,PM3_Supporting,PP1_Strong,PP4

Genetics Laboratory, Great Ormond Street Hospital NHS Foundation Trust, North Thames Genomic Laboratory Hub
Classification: Pathogenic for Familial hypercholesterolaemia. Last evaluated: 2026-06-30. Review status: criteria provided, single submitter. Criteria: ACGS Best Practice Guidelines for Variant Classification in Rare Disease 2024 v1.2. Collection method: clinical testing. Allele origin: germline. Affected: yes.
Comment: PM2_supporting, PVS1_very-strong, PP1_strong, PM3_moderate

Labcorp Genetics (formerly Invitae), Labcorp
Classification: Pathogenic for Hypercholesterolemia, familial, 4. Last evaluated: 2024-10-10. Review status: criteria provided, single submitter. Criteria: Invitae Variant Classification Sherloc (09022015). Collection method: clinical testing. Allele origin: germline.
Comment: This sequence change creates a premature translational stop signal (p.Gln136*) in the LDLRAP1 gene. It is expected to result in an absent or disrupted protein product. Loss-of-function variants in LDLRAP1 are known to be pathogenic (PMID: 11326085, 12464675). This variant is not present in population databases (gnomAD no frequency). This premature translational stop signal has been observed in individuals with familial hypercholesterolemia (PMID: 11326085, 27247956). It has also been observed to segregate with disease in related individuals. ClinVar contains an entry for this variant (Variation ID: 4775). For these reasons, this variant has been classified as Pathogenic.

Genome-Nilou Lab
Classification: Pathogenic for Hypercholesterolemia, familial, 4. Last evaluated: 2023-04-11. Review status: criteria provided, single submitter. Criteria: ACMG Guidelines, 2015. Collection method: clinical testing. Allele origin: germline. Affected: no.

Ambry Genetics
Classification: Pathogenic for Cardiovascular phenotype. Last evaluated: 2022-03-18. Review status: criteria provided, single submitter. Criteria: Ambry Variant Classification Scheme 2023. Collection method: clinical testing. Allele origin: germline.
Comment: The p.Q136* pathogenic mutation (also known as c.406C>T), located in coding exon 4 of the LDLRAP1 gene, results from a C to T substitution at nucleotide position 406. This changes the amino acid from a glutamine to a stop codon within coding exon 4. This alteration has been described in homozygous state in families with familial hypercholesterolemia (Garcia CK et al. Science, 2001 May;292:1394-8; Soufi M et al. Gene, 2013 May;521:200-3; Fahed AC et al. Mol Genet Genomic Med, 2016 May;4:283-91). This variant is considered to be rare based on population cohorts in the Genome Aggregation Database (gnomAD). In addition, this alteration is expected to result in loss of function by premature protein truncation or nonsense-mediated mRNA decay. As such, this alteration is interpreted as a disease-causing mutation.

Revvity Omics, Revvity
Classification: Pathogenic for Hypercholesterolemia, familial, 4. Last evaluated: 2020-03-24. Review status: criteria provided, single submitter. Criteria: ACMG Guidelines, 2015. Collection method: clinical testing. Allele origin: germline.

Cardiovascular Genetics Laboratory, PathWest Laboratory Medicine WA - Fiona Stanley Hospital
Classification: Pathogenic for Hypercholesterolemia, familial, 4. Last evaluated: 2024-03-26. Review status: no assertion criteria provided. Criteria: ACMG Guidelines, 2015. Collection method: clinical testing. Allele origin: germline. Affected: yes. Not counted in ClinVar's aggregate classification.

Natera, Inc.
Classification: Pathogenic for Familial hypercholesterolemia. Last evaluated: 2020-08-11. Review status: no assertion criteria provided. Collection method: clinical testing. Allele origin: germline. Not counted in ClinVar's aggregate classification.

OMIM
Classification: Pathogenic for HYPERCHOLESTEROLEMIA, FAMILIAL, 4, AUTOSOMAL RECESSIVE. Last evaluated: 2001-05-18. Review status: no assertion criteria provided. Collection method: literature only. Allele origin: germline. Not counted in ClinVar's aggregate classification.

Literature cited by the submitters: PubMed 11326085 (cited by 3 submitters); PubMed 12464675 (cited by Labcorp Genetics (formerly Invitae), Labcorp); PubMed 27247956 (cited by Labcorp Genetics (formerly Invitae), Labcorp and Ambry Genetics); PubMed 23510778 (cited by Ambry Genetics); PubMed 4351242 (cited by OMIM).